The following is an entry in ClinVar:

ClinVar aggregate classification (germline): Conflicting classifications of pathogenicity. Review status: criteria provided, conflicting classifications (1 of 4 stars). 14 submissions from 14 submitters: Uncertain significance (10); Likely benign (3). 1 of the submissions does not count toward it. Last evaluated 2026-01-09.

Conditions:
FANCA-related disorder. Also called: FANCA-related condition.
Fanconi anemia (FA). Also called: Fanconi's anemia. Identifiers: Orphanet 84, MedGen C0015625, MeSH D005199, MONDO:0019391.
Fanconi anemia complementation group A (FANCA). Also called: Fanconi anemia, group A; FANCA-Related Fanconi Anemia. Identifiers: Orphanet 84, MedGen C3469521, MONDO:0009215, OMIM 227650.

Allele frequency attached by ClinVar (database versions not stated): ExAC 0.00021; gnomAD 0.00023 and 0.00055; gnomAD exomes 0.00023 and 0.00039; ESP Exome Variant Server 0.00038; TOPMed 0.00082.
gnomAD v4.1: 634 of 1,614,120 alleles (0.039%); highest among the groups gnomAD compares: Non-Finnish European, 0.048%; no homozygotes.

Submissions (14):

Labcorp Genetics (formerly Invitae), Labcorp
Classification: Likely benign for Fanconi anemia. Last evaluated: 2026-01-09. Review status: criteria provided, single submitter. Criteria: Invitae Variant Classification Sherloc (09022015). Collection method: clinical testing. Allele origin: germline.

Quest Diagnostics Nichols Institute San Juan Capistrano
Classification: Uncertain significance. Last evaluated: 2024-12-10. Review status: criteria provided, single submitter. Criteria: Quest Diagnostics criteria. Collection method: clinical testing. Allele origin: unknown.
Comment: The FANCA c.2658G>C (p.Glu886Asp) variant has been reported in the published literature in individuals with ovarian cancer (PMID: 32546565 (2021)), breast cancer (PMID: 34130653 (2021)), Li-Fraumeni syndrome (LFS) (PMID: 30268473 (2018)), and prostate cancer (PMID: 32268276 (2020)). This variant has also been identified in reportedly unaffected individuals (PMID: 32546565 (2021)). The frequency of this variant in the general population (Genome Aggregation Database) is higher than would generally be expected for pathogenic variants in this gene. Analysis of this variant using bioinformatics tools for the prediction of the effect of amino acid changes on protein structure and function yielded predictions that this variant is benign. Based on the available information, we are unable to determine the clinical significance of this variant.

Blueprint Genetics
Classification: Likely benign. Last evaluated: 2024-10-17. Review status: criteria provided, single submitter. Criteria: ACMG Guidelines, 2015. Collection method: clinical testing. Allele origin: germline.

Fulgent Genetics
Classification: Uncertain significance for Fanconi anemia complementation group A. Last evaluated: 2024-05-07. Review status: criteria provided, single submitter. Criteria: ACMG Guidelines, 2015. Collection method: clinical testing. Allele origin: germline.

ARUP Laboratories, Molecular Genetics and Genomics, ARUP Laboratories
Classification: Likely benign for Fanconi anemia complementation group A. Last evaluated: 2024-02-07. Review status: criteria provided, single submitter. Criteria: ARUP Molecular Germline Variant Investigation Process 2024. Collection method: clinical testing. Allele origin: germline.

St. Jude Molecular Pathology, St. Jude Children's Research Hospital
Classification: Uncertain significance for Fanconi anemia complementation group A. Last evaluated: 2023-11-13. Review status: criteria provided, single submitter. Criteria: St. Jude Assertion Criteria 2020. Collection method: clinical testing. Allele origin: germline.
Comment: The FANCA c.2658G>C (p.Glu886Asp) missense change has a maximum subpopulation frequency of 0.046% in gnomAD v2.1.1. The in silico tool REVEL predicts a benign effect on protein function, but to our knowledge this prediction has not been confirmed by functional studies. The variant has been reported as heterozygous in one individual with breast cancer (PMID: 34130653). To our knowledge, this variant has not been reported in individuals with Fanconi anemia. In summary, the evidence currently available is insufficient to determine the clinical significance of this variant. It has therefore been classified as of uncertain significance.

PreventionGenetics, part of Exact Sciences
Classification: Uncertain significance for FANCA-related condition. Last evaluated: 2023-08-16. Review status: criteria provided, single submitter. Criteria: ACMG Guidelines, 2015. Collection method: clinical testing. Allele origin: germline.
Comment: The FANCA c.2658G>C variant is predicted to result in the amino acid substitution p.Glu886Asp. This variant has been detected in patients with breast cancer and epithelial ovarian cancer, as well as in control individuals in one study (Bakos et al. 2021. PubMed ID: 34130653, Table S6, Song et al. 2020. PubMed ID: 32546565). This variant is reported in 0.046% of alleles in individuals of European (Non-Finnish) descent in gnomAD and is interpreted as uncertain and likely benign in ClinVar. At this time, the clinical significance of this variant is uncertain due to the absence of conclusive functional and genetic evidence.

Institute of Human Genetics, Cologne University
Classification: Uncertain significance for Fanconi anemia complementation group A. Last evaluated: 2022-12-22. Review status: criteria provided, single submitter. Criteria: ACMG Guidelines, 2015. Collection method: clinical testing. Allele origin: maternal.

GeneDx
Classification: Uncertain significance. Last evaluated: 2022-02-25. Review status: criteria provided, single submitter. Criteria: GeneDx Variant Classification Process June 2021. Collection method: clinical testing. Allele origin: germline. Affected: yes.
Comment: In silico analysis supports that this missense variant does not alter protein structure/function; Has not been previously published as pathogenic or benign to our knowledge

Sema4
Classification: Uncertain significance for Fanconi anemia. Last evaluated: 2021-08-21. Review status: criteria provided, single submitter. Criteria: Sema4 Curation Guidelines. Collection method: curation. Allele origin: germline.
Comment: The FANCA c.2658G>C (p.E886D) variant has been reported in individuals with breast cancer, prostate cancer, ovarian cancer, and Li-Fraumeni syndrome as well as in controls (PMID: 34130653, 32268276, 30268473, 32546565). In the Li-Fraumeni syndrome and prostate cancer patients, additional pathogenic variant were also observed which are likely to explain the disease (PMID: 34130653, 32268276, 30268473, 32546565). This variant was observed in 60/129188 chromosomes of the Non-Finnish European subpopulation in the large and broad cohorts of the Genome Aggregation Database (PMID: 32461654). The variant has been reported in ClinVar (Variation ID 456101). Functional studies have not been performed, and in silico predictions of the variant's effect on protein function are inconclusive. There is no indication that this variant causes disease, but the evidence is insufficient currently to prove that conclusively. Thus, the clinical significance of this variant is currently uncertain.

Revvity Omics, Revvity
Classification: Uncertain significance for Fanconi anemia complementation group A. Last evaluated: 2019-09-11. Review status: criteria provided, single submitter. Criteria: ACMG Guidelines, 2015. Collection method: clinical testing. Allele origin: germline.

Baylor Genetics
Classification: Uncertain significance for Fanconi anemia complementation group A. Last evaluated: 2018-02-05. Review status: criteria provided, single submitter. Criteria: ACMG Guidelines, 2015. Collection method: clinical testing. Allele origin: paternal. Affected: yes.
Comment: This variant was determined to be of uncertain significance according to ACMG Guidelines, 2015 [PMID:25741868].

Illumina Laboratory Services, Illumina
Classification: Uncertain significance for Fanconi anemia complementation group A. Last evaluated: 2018-01-12. Review status: criteria provided, single submitter. Criteria: ICSL Variant Classification Criteria 13 December 2019. Collection method: clinical testing. Allele origin: germline.

Natera, Inc.
Classification: Uncertain significance for Fanconi anemia, group A. Last evaluated: 2019-12-24. Review status: no assertion criteria provided. Collection method: clinical testing. Allele origin: germline. Not counted in ClinVar's aggregate classification.

Literature cited by the submitters: PubMed 32268276 (cited by Quest Diagnostics Nichols Institute San Juan Capistrano and Sema4); PubMed 30268473 (cited by Quest Diagnostics Nichols Institute San Juan Capistrano and Sema4); PubMed 32546565 (cited by Quest Diagnostics Nichols Institute San Juan Capistrano and Sema4); PubMed 34130653 (cited by Quest Diagnostics Nichols Institute San Juan Capistrano and Sema4).

NM_000135.4(FANCA):c.2658G>C (p.Glu886Asp)

Genes: FANCA (FA complementation group A; minus strand), LOC130059837 (ATAC-STARR-seq lymphoblastoid active region 11420; plus strand). Cytogenetic location: 16q24.3.
Variant type: single nucleotide variant.
Coding change: c.2658G>C on transcript NM_000135.4 (MANE Select); coding-DNA position 2658, G replaced by C.
Protein change: p.Glu886Asp; replaces glutamic acid 886 with aspartic acid.
Molecular consequence: missense variant.
Genome position (GRCh38, 1-based): chr16:89,765,010, C>G on the plus strand (G>C on the coding strand, the complement: FANCA is on the minus strand). VCF-style: chr16-89765010-C-G. GRCh37 (hg19) VCF-style: chr16-89831418-C-G.
Other names: c.2658G>C, p.Glu886Asp (NM_001286167.3); c.2658G>C (LRG_495t1, NM_000135.3); short protein forms E886D.
Identifiers: ClinVar variation 456101 (VCV000456101.36), dbSNP rs139002130, ClinGen allele CA8251602.
Genomic context (GRCh38, chr16:89,765,010, plus strand): 5'-AGCTCTCTGCCAGTCTGCAGAAGGAAGGTGCAAGGGTCTCCAGGAAAGGCTGGCTACGTC[C>G]TCCTCAGAAAGAGGCTGTCGGGCCTCTGAGAACAATCTGAACATGAGGAACTGAAACTGA-3'
Protein context (NP_000126.2, residues 876-896): FSEARQPLSE[Glu886Asp]DVASLSWRPL